The following is an entry in ClinVar:

ClinVar aggregate classification (germline): Likely benign. Review status: criteria provided, multiple submitters, no conflicts (2 of 4 stars). 2 submissions from 2 submitters: Likely benign (2). Last evaluated 2025-10-15.

Conditions:
KCNV2-related disorder. Also called: KCNV2-related condition.

Allele frequency attached by ClinVar (database versions not stated): gnomAD exomes 0.00003 and 0.00020; gnomAD 0.00011 and 0.00012; ExAC 0.00019; 1000 Genomes Project 30x 0.00031; 1000 Genomes Project 0.00040.

Submissions (2):

Labcorp Genetics (formerly Invitae), Labcorp
Classification: Likely benign. Last evaluated: 2025-10-15. Review status: criteria provided, single submitter. Criteria: Invitae Variant Classification Sherloc (09022015). Collection method: clinical testing. Allele origin: germline.

PreventionGenetics, part of Exact Sciences
Classification: Likely benign for KCNV2-related condition. Last evaluated: 2024-12-26. Review status: criteria provided, single submitter. Criteria: ACMG Guidelines, 2015. Collection method: clinical testing. Allele origin: germline.
Comment: This variant is classified as likely benign based on ACMG/AMP sequence variant interpretation guidelines (Richards et al. 2015 PMID: 25741868, with internal and published modifications).

NM_133497.4(KCNV2):c.1513G>T (p.Ala505Ser)

Gene: KCNV2 (potassium voltage-gated channel modifier subfamily V member 2; plus strand). Cytogenetic location: 9p24.2.
Variant type: single nucleotide variant.
Coding change: c.1513G>T on transcript NM_133497.4 (MANE Select); coding-DNA position 1513, G replaced by T.
Protein change: p.Ala505Ser; replaces alanine 505 with serine.
Molecular consequence: missense variant.
Genome position (GRCh38, 1-based): chr9:2,729,602, G>T. VCF-style: chr9-2729602-G-T. GRCh37 (hg19) VCF-style: chr9-2729602-G-T.
Other names: c.1513G>T (NM_133497.3); short protein forms A505S.
Identifiers: ClinVar variation 1571757 (VCV001571757.9), dbSNP rs192224431, ClinGen allele CA4965933.